The following is an entry in ClinVar:

ClinVar aggregate classification (germline): Uncertain significance (1 of 4 stars; one submission).

Conditions:
Developmental and epileptic encephalopathy. Identifiers: MedGen C5779964, MONDO:0100620.

Submission:

Labcorp Genetics (formerly Invitae), Labcorp
Classification: Uncertain significance for Early-infantile DEE. Last evaluated: 2022-10-27. Review status: criteria provided, single submitter. Criteria: Invitae Variant Classification Sherloc (09022015). Collection method: clinical testing. Allele origin: unknown.
Comment: In summary, the available evidence is currently insufficient to determine the role of this variant in disease. Therefore, it has been classified as a Variant of Uncertain Significance. This variant has not been reported in the literature in individuals affected with HCN1-related conditions. This variant results in a copy number gain of the genomic region encompassing exon(s) 3-8 of the HCN1 gene. This region includes the termination codon of the gene. This copy number gain extends beyond the assayed region for this gene and therefore may encompass additional genes. As the precise location of this event is unknown, it may be in tandem or it may be located elsewhere in the genome.

NC_000005.9:g.(?_45262023)_(45462129_?)dup

Gene: HCN1 (hyperpolarization activated cyclic nucleotide gated potassium channel 1; minus strand). Cytogenetic location: 5p12.
Variant type: Duplication.
Identifiers: ClinVar variation 3246313 (VCV003246313.1).